The following is an entry in ClinVar:

NM_002769.5(PRSS1):c.730_731delinsTT (p.Ala244Phe)

Genes: PRSS1 (serine protease 1; plus strand), TRB (T cell receptor beta locus; plus strand). Cytogenetic location: 7q34.
Variant type: Indel.
Coding change: c.730_731delinsTT on transcript NM_002769.5 (MANE Select); coding-DNA positions 730 to 731, GC replaced by TT.
Protein change: p.Ala244Phe; replaces alanine 244 with phenylalanine.
Molecular consequence: missense variant. On other transcripts: non-coding transcript variant (5).
Genome position (GRCh38, 1-based): chr7:142,753,006-142,753,007, GC replaced by TT. VCF-style: chr7-142753006-GC-TT. GRCh37 (hg19) VCF-style: chr7-142460857-GC-TT.
Other names: short protein forms A244F.
Identifiers: ClinVar variation 3939061 (VCV003939061.1).

ClinVar aggregate classification (germline): Uncertain significance (1 of 4 stars; one submission).

Conditions:
Hereditary pancreatitis (PCTT). Also called: Hereditary chronic pancreatitis; PRSS1-Related Hereditary Pancreatitis. Identifiers: Orphanet 676, MedGen C0238339, MONDO:0008185, OMIM 167800.

Submission:

Ambry Genetics
Classification: Uncertain significance for Hereditary pancreatitis. Last evaluated: 2025-06-09. Review status: criteria provided, single submitter. Criteria: Ambry Variant Classification Scheme 2023. Collection method: clinical testing. Allele origin: germline.
Comment: The c.730_731delGCinsTT variant (also known as p.A244F), located in coding exon 5 of the PRSS1 gene, results from an in-frame deletion of GC and insertion of TT at nucleotide positions 730 to 731. This results in the substitution of the alanine residue for a phenylalanine residue at codon 244, an amino acid with dissimilar properties. This amino acid position is well conserved in available vertebrate species. In addition, the in silico prediction for this variant is inconclusive (Choi Y et al. PLoS ONE. 2012; 7(10):e46688). Based on the available evidence, the clinical significance of this variant remains unclear.